The following is an entry in ClinVar:

NM_003705.5(SLC25A12):c.847C>T (p.Arg283Cys)

Gene: SLC25A12 (solute carrier family 25 member 12; minus strand). Cytogenetic location: 2q31.1.
Variant type: single nucleotide variant.
Coding change: c.847C>T on transcript NM_003705.5 (MANE Select); coding-DNA position 847, C replaced by T.
Protein change: p.Arg283Cys; replaces arginine 283 with cysteine.
Molecular consequence: missense variant. On other transcripts: non-coding transcript variant (1).
Genome position (GRCh38, 1-based): chr2:171,826,881, G>A on the plus strand (C>T on the coding strand, the complement: SLC25A12 is on the minus strand). VCF-style: chr2-171826881-G-A. GRCh37 (hg19) VCF-style: chr2-172683391-G-A.
Other names: short protein forms R283C.
Identifiers: ClinVar variation 1041915 (VCV001041915.6), dbSNP rs1439144531, ClinGen allele CA349290786.

ClinVar aggregate classification (germline): Uncertain significance (1 of 4 stars; one submission).

Allele frequency attached by ClinVar (database versions not stated): gnomAD exomes below 0.00001.
gnomAD v4.1: 2 of 1,591,868 alleles (0.00013%); highest among the groups gnomAD compares: East Asian, 0.0022%; no homozygotes.

Submission:

Labcorp Genetics (formerly Invitae), Labcorp
Classification: Uncertain significance. Last evaluated: 2022-08-23. Review status: criteria provided, single submitter. Criteria: Invitae Variant Classification Sherloc (09022015). Collection method: clinical testing. Allele origin: germline.
Comment: In summary, the available evidence is currently insufficient to determine the role of this variant in disease. Therefore, it has been classified as a Variant of Uncertain Significance. Algorithms developed to predict the effect of sequence changes on RNA splicing suggest that this variant may create or strengthen a splice site. Algorithms developed to predict the effect of missense changes on protein structure and function are either unavailable or do not agree on the potential impact of this missense change (SIFT: "Deleterious"; PolyPhen-2: "Benign"; Align-GVGD: "Class C0"). ClinVar contains an entry for this variant (Variation ID: 1041915). This variant has not been reported in the literature in individuals affected with SLC25A12-related conditions. This variant is present in population databases (no rsID available, gnomAD 0.0009%). This sequence change replaces arginine, which is basic and polar, with cysteine, which is neutral and slightly polar, at codon 283 of the SLC25A12 protein (p.Arg283Cys).